The following is an entry in ClinVar:

ClinVar aggregate classification (germline): Uncertain significance (1 of 4 stars; one submission).

Submission:

Labcorp Genetics (formerly Invitae), Labcorp
Classification: Uncertain significance. Last evaluated: 2025-07-03. Review status: criteria provided, single submitter. Criteria: Invitae Variant Classification Sherloc (09022015). Collection method: clinical testing. Allele origin: germline.
Comment: This sequence change replaces lysine, which is basic and polar, with arginine, which is basic and polar, at codon 181 of the NDUFA10 protein (p.Lys181Arg). The frequency data for this variant in the population databases is considered unreliable, as metrics indicate poor data quality at this position in the gnomAD database. This variant has not been reported in the literature in individuals affected with NDUFA10-related conditions. Invitae Evidence Modeling of protein sequence and biophysical properties (such as structural, functional, and spatial information, amino acid conservation, physicochemical variation, residue mobility, and thermodynamic stability) indicates that this missense variant is not expected to disrupt NDUFA10 protein function with a negative predictive value of 80%. In summary, the available evidence is currently insufficient to determine the role of this variant in disease. Therefore, it has been classified as a Variant of Uncertain Significance.

NM_004544.4(NDUFA10):c.542A>G (p.Lys181Arg)

Gene: NDUFA10 (NADH:ubiquinone oxidoreductase subunit A10; minus strand). Cytogenetic location: 2q37.3.
Variant type: single nucleotide variant.
Coding change: c.542A>G on transcript NM_004544.4 (MANE Select); coding-DNA position 542, A replaced by G.
Protein change: p.Lys181Arg; replaces lysine 181 with arginine.
Molecular consequence: missense variant. On other transcripts: non-coding transcript variant (4).
Genome position (GRCh38, 1-based): chr2:240,018,558, T>C on the plus strand (A>G on the coding strand, the complement: NDUFA10 is on the minus strand). VCF-style: chr2-240018558-T-C. GRCh37 (hg19) VCF-style: chr2-240957975-T-C.
Other names: c.542A>G, p.Lys181Arg (NM_001322019.2, NM_001322020.2, NM_001410987.1); short protein forms K181R.
Identifiers: ClinVar variation 4808654 (VCV004808654.1).